The following is an entry in ClinVar:

NM_014714.4(IFT140):c.874G>A (p.Val292Met)

Genes: IFT140 (intraflagellar transport 140; minus strand), LOC105371046 (uncharacterized LOC105371046; plus strand). Cytogenetic location: 16p13.3.
Variant type: single nucleotide variant.
Coding change: c.874G>A on transcript NM_014714.4 (MANE Select); coding-DNA position 874, G replaced by A.
Protein change: p.Val292Met; replaces valine 292 with methionine.
Molecular consequence: missense variant.
Genome position (GRCh38, 1-based): chr16:1,587,961, C>T on the plus strand (G>A on the coding strand, the complement: IFT140 is on the minus strand). VCF-style: chr16-1587961-C-T. GRCh37 (hg19) VCF-style: chr16-1637962-C-T.
Other names: short protein forms V292M.
Identifiers: ClinVar variation 97053 (VCV000097053.14), dbSNP rs431905521, ClinGen allele CA149747.

ClinVar aggregate classification (germline): Pathogenic/Likely pathogenic. Review status: criteria provided, multiple submitters, no conflicts (2 of 4 stars). 9 submissions from 9 submitters: Pathogenic (5); Likely pathogenic (1). 3 of the submissions do not count toward it. Last evaluated 2025-04-16.

Conditions:
Saldino-Mainzer syndrome (SRTD9). Also called: CONORENAL SYNDROME; short-rib thoracic dysplasia 9 with or without polydactyly; Renal dysplasia, retinal pigmentary dystrophy, cerebellar ataxia and skeletal dysplasia; SHORT-RIB THORACIC DYSPLASIA 9 WITHOUT POLYDACTYLY. Identifiers: Orphanet 140969, MedGen C1849437, MONDO:0009964, OMIM 266920.
IFT140-related disorders.
Retinitis pigmentosa 80 (RP80). Identifiers: MedGen C4540439, MONDO:0054708, OMIM 617781.
Joubert syndrome with Jeune asphyxiating thoracic dystrophy. Identifiers: Orphanet 397715, MedGen C4518774, MONDO:0018342.
Jeune thoracic dystrophy. Also called: Short-rib thoracic dysplasia; Jeune syndrome; Infantile thoracic dystrophy; Thoracic pelvic phalangeal dystrophy; Jeune's syndrome; Chondroectodermal dysplasia-like syndrome. Identifiers: Orphanet 474, MedGen C0265275, MONDO:0018770.
Retinal dystrophy. Also called: Inherited retinal dystrophy. Identifiers: Orphanet 71862, MedGen C0854723, MeSH D058499, MONDO:0019118, HP:0000556.
Retinitis pigmentosa (RP). Identifiers: Orphanet 791, MedGen C0035334, MeSH D012174, MONDO:0019200, OMIM 268000. Inheritance: Autosomal dominant, autosomal recessive and X linked inheritance.

Allele frequency attached by ClinVar (database versions not stated): TOPMed 0.00001.

Submissions (9):

Labcorp Genetics (formerly Invitae), Labcorp
Classification: Pathogenic for Saldino-Mainzer syndrome. Last evaluated: 2025-04-16. Review status: criteria provided, single submitter. Criteria: Invitae Variant Classification Sherloc (09022015). Collection method: clinical testing. Allele origin: germline.
Comment: This sequence change replaces valine, which is neutral and non-polar, with methionine, which is neutral and non-polar, at codon 292 of the IFT140 protein (p.Val292Met). This variant is present in population databases (rs431905521, gnomAD 0.0009%). This missense change has been observed in individual(s) with Jeune asphyxiating thoracic dystrophy (PMID: 23418020). In at least one individual the data is consistent with being in trans (on the opposite chromosome) from a pathogenic variant. ClinVar contains an entry for this variant (Variation ID: 97053). Invitae Evidence Modeling of protein sequence and biophysical properties (such as structural, functional, and spatial information, amino acid conservation, physicochemical variation, residue mobility, and thermodynamic stability) indicates that this missense variant is not expected to disrupt IFT140 protein function with a negative predictive value of 95%. Experimental studies have shown that this missense change affects IFT140 function (PMID: 23418020). For these reasons, this variant has been classified as Pathogenic.

Blueprint Genetics
Classification: Pathogenic for IFT140-related disorders. Last evaluated: 2024-06-11. Review status: criteria provided, single submitter. Criteria: ACMG Guidelines, 2015. Collection method: clinical testing. Allele origin: germline. Affected: yes. Observed: 5 variant alleles.

Fulgent Genetics
Classification: Pathogenic for Saldino-Mainzer syndrome; Retinitis pigmentosa 80. Last evaluated: 2024-04-01. Review status: criteria provided, single submitter. Criteria: ACMG Guidelines, 2015. Collection method: clinical testing. Allele origin: germline.

Women's Health and Genetics/Laboratory Corporation of America, LabCorp
Classification: Pathogenic for Retinitis pigmentosa. Last evaluated: 2024-03-29. Review status: criteria provided, single submitter. Criteria: LabCorp Variant Classification Summary - May 2015. Collection method: clinical testing. Allele origin: germline.
Comment: Variant summary: IFT140 c.874G>A (p.Val292Met) results in a conservative amino acid change located in the WD40/YVTN repeat-like-containing domain superfamily (IPR015943) of the encoded protein sequence. Three of five in-silico tools predict a damaging effect of the variant on protein function. The variant allele was found at a frequency of 4e-06 in 249478 control chromosomes (gnomAD). c.874G>A has been reported in the literature in multiple individuals affected with IFT140 related disorders (examples: Perrault_2012, Schmidts_2013, Dineiro_2020). These data indicate that the variant is very likely to be associated with disease. The following publications have been ascertained in the context of this evaluation (PMID: 32483926, 22503633, 23418020). ClinVar contains an entry for this variant (Variation ID: 97053). Based on the evidence outlined above, the variant was classified as pathogenic.

Institute of Human Genetics, Univ. Regensburg, Univ. Regensburg
Classification: Likely pathogenic for Retinal dystrophy. Last evaluated: 2019-01-01. Review status: criteria provided, single submitter. Criteria: ACMG Guidelines, 2015. Collection method: clinical testing. Allele origin: germline. Affected: yes.

Laboratory of Medical Genetics (UMR_S 1112), INSERM/Strasbourg University
Classification: Pathogenic for Renal dysplasia, retinal pigmentary dystrophy, cerebellar ataxia and skeletal dysplasia; Joubert syndrome with Jeune asphyxiating thoracic dystrophy. Last evaluated: 2018-01-01. Review status: criteria provided, single submitter. Criteria: Geoffroy et al. (Hum Mutat. 2018). Collection method: research. Allele origin: inherited. Inheritance: Autosomal recessive inheritance. Affected: yes. Observed: 1 variant allele, 1 compound heterozygote.

Dan Cohn Lab, University Of California Los Angeles
Classification: Pathogenic for Asphyxiating thoracic dystrophy. Last evaluated: 2017-06-01. Review status: no assertion criteria provided. Collection method: research. Allele origin: maternal. Affected: yes. Not counted in ClinVar's aggregate classification.

OMIM
Classification: Pathogenic for SHORT-RIB THORACIC DYSPLASIA 9 WITHOUT POLYDACTYLY. Last evaluated: 2013-05-01. Review status: no assertion criteria provided. Collection method: literature only. Allele origin: germline. Not counted in ClinVar's aggregate classification.

University of Washington Center for Mendelian Genomics, University of Washington
Classification: Likely pathogenic for asphyxiating thoracic dystrophy. Review status: no assertion criteria provided. Collection method: research. Allele origin: inherited. Affected: yes. Not counted in ClinVar's aggregate classification.

Literature cited by the submitters: PubMed 23418020 (cited by 4 submitters); PubMed 22503633 (cited by Women's Health and Genetics/Laboratory Corporation of America, LabCorp and Institute of Human Genetics, Univ. Regensburg, Univ. Regensburg); PubMed 32483926 (cited by Women's Health and Genetics/Laboratory Corporation of America, LabCorp and Institute of Human Genetics, Univ. Regensburg, Univ. Regensburg); PubMed 31589614 (cited by Institute of Human Genetics, Univ. Regensburg, Univ. Regensburg); PubMed 31964843 (cited by Institute of Human Genetics, Univ. Regensburg, Univ. Regensburg); PubMed 35140360 (cited by Institute of Human Genetics, Univ. Regensburg, Univ. Regensburg); PubMed 29068549 (cited by Dan Cohn Lab, University Of California Los Angeles and University of Washington Center for Mendelian Genomics, University of Washington); PubMed 29688594 (cited by OMIM).